The following is an entry in ClinVar:

NM_020975.6(RET):c.823G>T (p.Gly275Cys)

Gene: RET (ret proto-oncogene; plus strand). Cytogenetic location: 10q11.21.
Variant type: single nucleotide variant.
Coding change: c.823G>T on transcript NM_020975.6 (MANE Select); coding-DNA position 823, G replaced by T.
Protein change: p.Gly275Cys; replaces glycine 275 with cysteine.
Molecular consequence: missense variant. On other transcripts: intron variant (22).
Genome position (GRCh38, 1-based): chr10:43,105,149, G>T. VCF-style: chr10-43105149-G-T. GRCh37 (hg19) VCF-style: chr10-43600597-G-T.
Other names: c.496+2520G>T (NM_001406786.1, NM_001406783.1); c.338-3882G>T (NM_001406778.1, NM_001406775.1, NM_001406776.1 and 1 more transcripts); c.337+4427G>T (NM_001406790.1, NM_001406788.1, NM_001406789.1 and 1 more transcripts); c.74-3882G>T (NM_001406784.1); c.74-6950G>T (NM_001406794.1, NM_001406792.1, NM_001406793.1); c.61G>T, p.Gly21Cys (NM_001355216.2); c.823G>T, p.Gly275Cys (NM_001406743.1, NM_001406744.1, NM_001406759.1 and 6 more transcripts); c.694G>T, p.Gly232Cys (NM_001406761.1, NM_001406762.1, NM_001406764.1 and 2 more transcripts); and 2 more; short protein forms G232C, G21C, G179C, G275C.
Identifiers: ClinVar variation 4152815 (VCV004152815.1).

ClinVar aggregate classification (germline): Uncertain significance (1 of 4 stars; one submission).

Conditions:
Hereditary cancer-predisposing syndrome. Also called: Neoplastic Syndromes, Hereditary; Tumor predisposition; Hereditary Cancer Syndrome; Hereditary neoplastic syndrome. Identifiers: Orphanet 140162, MedGen C0027672, MeSH D009386, MONDO:0015356.

gnomAD v4.1: 1 of 1,612,810 alleles (0.000062%); highest among the groups gnomAD compares: Non-Finnish European, 0.000085%; no homozygotes.

Submission:

Ambry Genetics
Classification: Uncertain significance for Hereditary cancer-predisposing syndrome. Last evaluated: 2025-08-22. Review status: criteria provided, single submitter. Criteria: Ambry Variant Classification Scheme 2023. Collection method: clinical testing. Allele origin: germline.
Comment: The p.G275C variant (also known as c.823G>T), located in coding exon 4 of the RET gene, results from a G to T substitution at nucleotide position 823. The glycine at codon 275 is replaced by cysteine, an amino acid with highly dissimilar properties. This amino acid position is conserved. In addition, the in silico prediction for this alteration is inconclusive. Based on the available evidence, the clinical significance of this variant remains unclear.